The following is an entry in ClinVar:

ClinVar aggregate classification (germline): Uncertain significance. Review status: criteria provided, multiple submitters, no conflicts (2 of 4 stars). 3 submissions from 3 submitters: Uncertain significance (3). Last evaluated 2024-07-21.

Conditions:
Hereditary cancer-predisposing syndrome. Also called: Neoplastic Syndromes, Hereditary; Tumor predisposition; Hereditary Cancer Syndrome; Hereditary neoplastic syndrome. Identifiers: Orphanet 140162, MedGen C0027672, MeSH D009386, MONDO:0015356.
Hereditary breast ovarian cancer syndrome. Also called: BRCA1- and BRCA2-Associated Hereditary Breast and Ovarian Cancer; Hereditary breast and ovarian cancer syndrome; Hereditary breast and ovarian cancer; Hereditary breast and ovarian cancer syndrome (HBOC); Breast and ovarian cancer; Hereditary breast and/or ovarian cancer syndrome. Identifiers: Orphanet 145, MedGen C0677776, MeSH D061325, MONDO:0003582. Disease mechanism: loss of function.

Submissions (3):

Labcorp Genetics (formerly Invitae), Labcorp
Classification: Uncertain significance for Hereditary breast ovarian cancer syndrome. Last evaluated: 2024-07-21. Review status: criteria provided, single submitter. Criteria: Invitae Variant Classification Sherloc (09022015). Collection method: clinical testing. Allele origin: germline.
Comment: This sequence change replaces proline, which is neutral and non-polar, with leucine, which is neutral and non-polar, at codon 115 of the BRCA1 protein (p.Pro115Leu). This variant is not present in population databases (gnomAD no frequency). This missense change has been observed in individual(s) with benign breast disease (PMID: 14973102). ClinVar contains an entry for this variant (Variation ID: 232058). Advanced modeling of protein sequence and biophysical properties (such as structural, functional, and spatial information, amino acid conservation, physicochemical variation, residue mobility, and thermodynamic stability) has been performed at Invitae for this missense variant, however the output from this modeling did not meet the statistical confidence thresholds required to predict the impact of this variant on BRCA1 protein function. In summary, the available evidence is currently insufficient to determine the role of this variant in disease. Therefore, it has been classified as a Variant of Uncertain Significance.

Ambry Genetics
Classification: Uncertain significance for Hereditary cancer-predisposing syndrome. Last evaluated: 2023-12-12. Review status: criteria provided, single submitter. Criteria: Ambry Variant Classification Scheme 2023. Collection method: clinical testing. Allele origin: germline.
Comment: The p.P115L variant (also known as c.344C>T), located in coding exon 5 of the BRCA1 gene, results from a C to T substitution at nucleotide position 344. The proline at codon 115 is replaced by leucine, an amino acid with similar properties. This variant has also been identified Chinese cohort studies of individuals with a personal and/or family history of breast or ovarian cancers undergoing multi-gene panel testing for HBOC risk assessment (Shao D et al. Cancer Sci, 2020 Feb;111:647-657; Yao L et al. J Hum Genet, 2022 Nov;67:639-642). This amino acid position is not well conserved in available vertebrate species. In addition, this alteration is predicted to be deleterious by in silico analysis. Since supporting evidence is limited at this time, the clinical significance of this alteration remains unclear.

Color Diagnostics, LLC DBA Color Health
Classification: Uncertain significance for Hereditary cancer-predisposing syndrome. Last evaluated: 2019-03-14. Review status: criteria provided, single submitter. Criteria: ACMG Guidelines, 2015. Collection method: clinical testing. Allele origin: germline.

Literature cited by the submitters: PubMed 14973102 (cited by Labcorp Genetics (formerly Invitae), Labcorp and Ambry Genetics); PubMed 31742824 (cited by Ambry Genetics); PubMed 35171259 (cited by Ambry Genetics); PubMed 35864222 (cited by Ambry Genetics).

NM_007294.4(BRCA1):c.344C>T (p.Pro115Leu)

Gene: BRCA1 (BRCA1 DNA repair associated; minus strand). Cytogenetic location: 17q21.31.
Variant type: single nucleotide variant.
Coding change: c.344C>T on transcript NM_007294.4 (MANE Select); coding-DNA position 344, C replaced by T.
Protein change: p.Pro115Leu; replaces proline 115 with leucine.
Molecular consequence: missense variant. On other transcripts: non-coding transcript variant (1).
Genome position (GRCh38, 1-based): chr17:43,104,219, G>A on the plus strand (C>T on the coding strand, the complement: BRCA1 is on the minus strand). VCF-style: chr17-43104219-G-A. GRCh37 (hg19) VCF-style: chr17-41256236-G-A.
Other names: c.344C>T, p.Pro115Leu (NM_001408420.1, NM_001408421.1, NM_001408422.1 and 165 more transcripts); c.212C>T, p.Pro71Leu (NM_001408451.1); c.203C>T, p.Pro68Leu (NM_001408452.1, NM_001408453.1, NM_001408454.1 and 99 more transcripts); c.266C>T, p.Pro89Leu (NM_001408474.1, NM_001408475.1, NM_001408476.1 and 21 more transcripts); c.134C>T, p.Pro45Leu (NM_001408478.1, NM_001408479.1, NM_001408480.1 and 58 more transcripts); c.-38C>T (NM_001408510.1, NM_001408512.1, NM_001407959.1 and 4 more transcripts); c.335C>T, p.Pro112Leu (NM_001407646.1, NM_001407647.1, NM_001408408.1); short protein forms P115L, P68L, P112L, P89L, P45L, P71L.
Identifiers: ClinVar variation 232058 (VCV000232058.17), dbSNP rs876659528, ClinGen allele CA10580704.